The following is an entry in ClinVar:

ClinVar aggregate classification (germline): Uncertain significance. Review status: criteria provided, multiple submitters, no conflicts (2 of 4 stars). 2 submissions from 2 submitters: Uncertain significance (2). Last evaluated 2026-02-22.

Conditions:
Inborn genetic diseases. Identifiers: MedGen C0950123, MeSH D030342.
VPS13B-related disorder. Also called: VPS13B-related condition.

Allele frequency attached by ClinVar (database versions not stated): TOPMed below 0.00001.

Submissions (2):

PreventionGenetics, part of Exact Sciences
Classification: Uncertain significance for VPS13B-related condition. Last evaluated: 2026-02-22. Review status: criteria provided, single submitter. Criteria: ACMG Guidelines, 2015. Collection method: clinical testing. Allele origin: germline.
Comment: The VPS13B c.8050G>T variant is predicted to result in the amino acid substitution p.Ala2684Ser. To our knowledge, this variant has not been reported in the literature or in a large population database (gnomAD), indicating this variant is rare. At this time, the clinical significance of this variant is uncertain due to the absence of conclusive functional and genetic evidence.

Ambry Genetics
Classification: Uncertain significance for Inborn genetic diseases. Last evaluated: 2017-06-15. Review status: criteria provided, single submitter. Criteria: Ambry Variant Classification Scheme 2023. Collection method: clinical testing. Allele origin: germline.
Comment: The p.A2709S variant (also known as c.8125G>T), located in coding exon 43 of the VPS13B gene, results from a G to T substitution at nucleotide position 8125. The alanine at codon 2709 is replaced by serine, an amino acid with similar properties. This amino acid position is highly conserved in available vertebrate species. In addition, the in silico prediction for this alteration is inconclusive. Since supporting evidence is limited at this time, the clinical significance of this alteration remains unclear.

NM_152564.5(VPS13B):c.8050G>T (p.Ala2684Ser)

Gene: VPS13B (vacuolar protein sorting 13 homolog B; plus strand). Cytogenetic location: 8q22.2.
Variant type: single nucleotide variant.
Coding change: c.8050G>T on transcript NM_152564.5 (MANE Select); coding-DNA position 8050, G replaced by T.
Protein change: p.Ala2684Ser; replaces alanine 2684 with serine.
Molecular consequence: missense variant.
Genome position (GRCh38, 1-based): chr8:99,809,483, G>T. VCF-style: chr8-99809483-G-T. GRCh37 (hg19) VCF-style: chr8-100821711-G-T.
Other names: c.8125G>T, p.Ala2709Ser (NM_017890.5); short protein forms A2684S, A2709S.
Identifiers: ClinVar variation 1762101 (VCV001762101.3), dbSNP rs1241516602, ClinGen allele CA371770037.